The following is an entry in ClinVar:

ClinVar aggregate classification (germline): Uncertain significance (1 of 4 stars; one submission).

Submission:

Labcorp Genetics (formerly Invitae), Labcorp
Classification: Uncertain significance. Last evaluated: 2025-05-17. Review status: criteria provided, single submitter. Criteria: Invitae Variant Classification Sherloc (09022015). Collection method: clinical testing. Allele origin: germline.
Comment: This sequence change replaces histidine, which is basic and polar, with arginine, which is basic and polar, at codon 655 of the TAF1 protein (p.His655Arg). This variant is not present in population databases (gnomAD no frequency). This variant has not been reported in the literature in individuals affected with TAF1-related conditions. Invitae Evidence Modeling of protein sequence and biophysical properties (such as structural, functional, and spatial information, amino acid conservation, physicochemical variation, residue mobility, and thermodynamic stability) indicates that this missense variant is not expected to disrupt TAF1 protein function with a negative predictive value of 80%. In summary, the available evidence is currently insufficient to determine the role of this variant in disease. Therefore, it has been classified as a Variant of Uncertain Significance.

NM_004606.5(TAF1):c.1904A>G (p.His635Arg)

Gene: TAF1 (TATA-box binding protein associated factor 1; plus strand). Cytogenetic location: Xq13.1.
Variant type: single nucleotide variant.
Coding change: c.1904A>G on transcript NM_004606.5 (MANE Select); coding-DNA position 1904, A replaced by G.
Protein change: p.His635Arg; replaces histidine 635 with arginine.
Molecular consequence: missense variant. On other transcripts: non-coding transcript variant (9).
Genome position (GRCh38, 1-based): chrX:71,383,121, A>G. VCF-style: chrX-71383121-A-G. GRCh37 (hg19) VCF-style: chrX-70602971-A-G.
Other names: c.1904A>G, p.His635Arg (NM_001286074.2, NM_001440852.1, NM_001440853.1); c.1841A>G, p.His614Arg (NM_001440854.1, NM_138923.4); short protein forms H635R, H614R.
Identifiers: ClinVar variation 4777159 (VCV004777159.1).